The following is an entry in ClinVar:

NM_052947.4(ALPK2):c.5701A>G (p.Lys1901Glu)

Gene: ALPK2 (alpha kinase 2; minus strand). Cytogenetic location: 18q21.31.
Variant type: single nucleotide variant.
Coding change: c.5701A>G on transcript NM_052947.4 (MANE Select); coding-DNA position 5701, A replaced by G.
Protein change: p.Lys1901Glu; replaces lysine 1901 with glutamic acid.
Molecular consequence: missense variant.
Genome position (GRCh38, 1-based): chr18:58,517,147, T>C on the plus strand (A>G on the coding strand, the complement: ALPK2 is on the minus strand). VCF-style: chr18-58517147-T-C. GRCh37 (hg19) VCF-style: chr18-56184379-T-C.
Other names: short protein forms K1901E.
Identifiers: ClinVar variation 3228809 (VCV003228809.1), dbSNP rs2518862994, ClinGen allele CA402549246.

ClinVar aggregate classification (germline): Uncertain significance (1 of 4 stars; one submission).

Allele frequency attached by ClinVar (database versions not stated): gnomAD exomes below 0.00001.
gnomAD v4.1: 1 of 1,614,146 alleles (0.000062%); highest among the groups gnomAD compares: Non-Finnish European, 0.000085%; no homozygotes.

Submission:

Ambry Genetics
Classification: Uncertain significance. Last evaluated: 2024-02-11. Review status: criteria provided, single submitter. Criteria: Ambry Variant Classification Scheme 2023. Collection method: clinical testing. Allele origin: germline.
Comment: The p.K1901E variant (also known as c.5701A>G), located in coding exon 8 of the ALPK2 gene, results from an A to G substitution at nucleotide position 5701. The lysine at codon 1901 is replaced by glutamic acid, an amino acid with similar properties. This amino acid position is conserved. In addition, this alteration is predicted to be tolerated by in silico analysis. Based on the available evidence, the clinical significance of this alteration remains unclear.